The following is an entry in ClinVar:

ClinVar aggregate classification (germline): Uncertain significance (1 of 4 stars; one submission).

Conditions:
Inborn genetic diseases. Identifiers: MedGen C0950123, MeSH D030342.

Submission:

Ambry Genetics
Classification: Uncertain significance for Inborn genetic diseases. Last evaluated: 2025-06-25. Review status: criteria provided, single submitter. Criteria: Ambry Variant Classification Scheme 2023. Collection method: clinical testing. Allele origin: germline.
Comment: The p.P743T variant (also known as c.2227C>A), located in coding exon 13 of the FANCM gene, results from a C to A substitution at nucleotide position 2227. The proline at codon 743 is replaced by threonine, an amino acid with highly similar properties. This amino acid position is conserved. In addition, this alteration is predicted to be tolerated by in silico analysis. Based on the available evidence, the clinical significance of this variant remains unclear.

NM_020937.4(FANCM):c.2227C>A (p.Pro743Thr)

Gene: FANCM (FA complementation group M; plus strand). Cytogenetic location: 14q21.2.
Variant type: single nucleotide variant.
Coding change: c.2227C>A on transcript NM_020937.4 (MANE Select); coding-DNA position 2227, C replaced by A.
Protein change: p.Pro743Thr; replaces proline 743 with threonine.
Molecular consequence: missense variant.
Genome position (GRCh38, 1-based): chr14:45,173,121, C>A. VCF-style: chr14-45173121-C-A. GRCh37 (hg19) VCF-style: chr14-45642324-C-A.
Other names: c.2149C>A, p.Pro717Thr (NM_001308133.2); short protein forms P743T, P717T.
Identifiers: ClinVar variation 4254543 (VCV004254543.1).